The following is an entry in ClinVar:

NM_000135.4(FANCA):c.882C>G (p.Ile294Met)

Gene: FANCA (FA complementation group A; minus strand). Cytogenetic location: 16q24.3.
Variant type: single nucleotide variant.
Coding change: c.882C>G on transcript NM_000135.4 (MANE Select); coding-DNA position 882, C replaced by G.
Protein change: p.Ile294Met; replaces isoleucine 294 with methionine.
Molecular consequence: missense variant.
Genome position (GRCh38, 1-based): chr16:89,799,177, G>C on the plus strand (C>G on the coding strand, the complement: FANCA is on the minus strand). VCF-style: chr16-89799177-G-C. GRCh37 (hg19) VCF-style: chr16-89865585-G-C.
Other names: c.882C>G, p.Ile294Met (NM_001018112.3, NM_001286167.3); c.786C>G, p.Ile262Met (NM_001351830.2); c.882C>G (NM_000135.3); short protein forms I262M, I294M.
Identifiers: ClinVar variation 1319513 (VCV001319513.10), dbSNP rs754520622, ClinGen allele CA8252706.

ClinVar aggregate classification (germline): Uncertain significance. Review status: criteria provided, multiple submitters, no conflicts (2 of 4 stars). 3 submissions from 3 submitters: Uncertain significance (3). Last evaluated 2025-02-11.

Conditions:
Fanconi anemia (FA). Also called: Fanconi's anemia. Identifiers: Orphanet 84, MedGen C0015625, MeSH D005199, MONDO:0019391.

Allele frequency attached by ClinVar (database versions not stated): gnomAD 0.00001; ExAC 0.00003.
gnomAD v4.1: 14 of 1,614,026 alleles (0.00087%); highest among the groups gnomAD compares: South Asian, 0.0033%; no homozygotes.

Submissions (3):

Quest Diagnostics Nichols Institute San Juan Capistrano
Classification: Uncertain significance. Last evaluated: 2025-02-11. Review status: criteria provided, single submitter. Criteria: Quest Diagnostics criteria. Collection method: clinical testing. Allele origin: unknown.
Comment: The FANCA c.882C>G (p.Ile294Met) variant has not been reported as a germline variant in individuals with FANCA-related conditions in the published literature. The frequency of this variant in the general population (Genome Aggregation Database) is uninformative in the assessment of its pathogenicity. Analysis of this variant using bioinformatics tools for the prediction of the effect of amino acid changes on protein structure and function yielded predictions that this variant is benign. Based on the available information, we are unable to determine the clinical significance of this variant.

Labcorp Genetics (formerly Invitae), Labcorp
Classification: Uncertain significance for Fanconi anemia. Last evaluated: 2024-07-19. Review status: criteria provided, single submitter. Criteria: Invitae Variant Classification Sherloc (09022015). Collection method: clinical testing. Allele origin: germline.
Comment: This sequence change replaces isoleucine, which is neutral and non-polar, with methionine, which is neutral and non-polar, at codon 294 of the FANCA protein (p.Ile294Met). This variant is present in population databases (rs754520622, gnomAD 0.004%). This variant has not been reported in the literature in individuals affected with FANCA-related conditions. ClinVar contains an entry for this variant (Variation ID: 1319513). Advanced modeling of protein sequence and biophysical properties (such as structural, functional, and spatial information, amino acid conservation, physicochemical variation, residue mobility, and thermodynamic stability) performed at Invitae indicates that this missense variant is not expected to disrupt FANCA protein function with a negative predictive value of 80%. Algorithms developed to predict the effect of sequence changes on RNA splicing suggest that this variant may disrupt the consensus splice site. In summary, the available evidence is currently insufficient to determine the role of this variant in disease. Therefore, it has been classified as a Variant of Uncertain Significance.

Institute for Clinical Genetics, University Hospital TU Dresden, University Hospital TU Dresden
Classification: Uncertain significance. Last evaluated: 2021-11-03. Review status: criteria provided, single submitter. Criteria: ACMG Guidelines, 2015. Collection method: clinical testing. Allele origin: germline.

Literature cited by the submitters: PubMed 38554705 (cited by Quest Diagnostics Nichols Institute San Juan Capistrano).